The following is an entry in ClinVar:

NM_001148.6(ANK2):c.7136C>A (p.Thr2379Lys)

Genes: ANK2 (ankyrin 2; plus strand), LOC126807137 (CDK7 strongly-dependent group 2 enhancer GRCh37_chr4:114276560-114277759; plus strand). Cytogenetic location: 4q26.
Variant type: single nucleotide variant.
Coding change: c.7136C>A on transcript NM_001148.6 (MANE Select); coding-DNA position 7136, C replaced by A.
Protein change: p.Thr2379Lys; replaces threonine 2379 with lysine.
Molecular consequence: missense variant. On other transcripts: intron variant (68).
Genome position (GRCh38, 1-based): chr4:113,355,754, C>A. VCF-style: chr4-113355754-C-A. GRCh37 (hg19) VCF-style: chr4-114276910-C-A.
Other names: c.6902C>A, p.Thr2301Lys (NM_001386142.1); c.3536C>A, p.Thr1179Lys (NM_001386166.1); c.7277C>A, p.Thr2426Lys (NM_001386174.1); c.7253C>A, p.Thr2418Lys (NM_001386175.1); c.4412-5069C>A (NM_001386186.2, NM_001386148.2); c.4214-5069C>A (NM_001354269.3); c.4292-5069C>A (NM_001386187.2); c.4253-5069C>A (NM_001386147.1); and 35 more; short protein forms T2379K, T1179K, T2301K, T2418K, T2426K.
Identifiers: ClinVar variation 560632 (VCV000560632.35), dbSNP rs753351853, ClinGen allele CA3051539.

ClinVar aggregate classification (germline): Conflicting classifications of pathogenicity. Review status: criteria provided, conflicting classifications (1 of 4 stars). 5 submissions from 5 submitters: Uncertain significance (3); Likely benign (2). Last evaluated 2025-05-22.

Conditions:
Cardiovascular phenotype. Identifiers: MedGen CN230736.
Long QT syndrome (LQTS). Identifiers: MedGen C0023976, MeSH D008133, MONDO:0002442. Disease mechanism: loss of function. Inheritance: Various modes of inheritance.
Cardiac arrhythmia, ankyrin-B-related. Also called: ANKYRIN-B SYNDROME. Identifiers: Orphanet 101016, Orphanet 768, MedGen C1970119, MONDO:0010958, OMIM 600919.

Allele frequency attached by ClinVar (database versions not stated): ExAC 0.00002; gnomAD exomes 0.00002 and 0.00003; TOPMed 0.00002; gnomAD 0.00003.
gnomAD v4.1: 31 of 1,614,012 alleles (0.0019%); highest among the groups gnomAD compares: Non-Finnish European, 0.0025%; no homozygotes.

Submissions (5):

Labcorp Genetics (formerly Invitae), Labcorp
Classification: Uncertain significance for Long QT syndrome. Last evaluated: 2025-05-22. Review status: criteria provided, single submitter. Criteria: Invitae Variant Classification Sherloc (09022015). Collection method: clinical testing. Allele origin: germline.
Comment: This sequence change replaces threonine, which is neutral and polar, with lysine, which is basic and polar, at codon 2379 of the ANK2 protein (p.Thr2379Lys). This variant is present in population databases (rs753351853, gnomAD 0.006%). This missense change has been observed in individual(s) with clinical features of ANK2-related conditions (PMID: 30847666). ClinVar contains an entry for this variant (Variation ID: 560632). An algorithm developed to predict the effect of missense changes on protein structure and function outputs the following: PolyPhen-2: "Benign". The lysine amino acid residue is found in multiple mammalian species, which suggests that this missense change does not adversely affect protein function. In summary, the available evidence is currently insufficient to determine the role of this variant in disease. Therefore, it has been classified as a Variant of Uncertain Significance.

CeGaT Center for Human Genetics Tuebingen
Classification: Likely benign. Last evaluated: 2022-06-01. Review status: criteria provided, single submitter. Criteria: CeGaT Center For Human Genetics Tuebingen Variant Classification Criteria Version 2. Collection method: clinical testing. Allele origin: germline. Affected: yes. Observed: 1 variant allele.
Comment: ANK2: BP4

Fulgent Genetics
Classification: Uncertain significance for Cardiac arrhythmia, ankyrin-B-related. Last evaluated: 2022-01-10. Review status: criteria provided, single submitter. Criteria: ACMG Guidelines, 2015. Collection method: clinical testing. Allele origin: unknown.

Ambry Genetics
Classification: Likely benign for Cardiovascular phenotype. Last evaluated: 2020-05-22. Review status: criteria provided, single submitter. Criteria: Ambry Variant Classification Scheme 2023. Collection method: clinical testing. Allele origin: germline.

Clinical Molecular Genetics Laboratory, Johns Hopkins All Children's Hospital
Classification: Uncertain significance. Last evaluated: 2017-08-17. Review status: criteria provided, single submitter. Criteria: ACMG Guidelines, 2015. Collection method: clinical testing. Allele origin: germline. Affected: yes.

Literature cited by the submitters: PubMed 30847666 (cited by Labcorp Genetics (formerly Invitae), Labcorp and Ambry Genetics).